The following is an entry in ClinVar:

NM_001323289.2(CDKL5):c.1722G>A (p.Pro574=)

Gene: CDKL5 (cyclin dependent kinase like 5; plus strand). Cytogenetic location: Xp22.13.
Variant type: single nucleotide variant.
Coding change: c.1722G>A on transcript NM_001323289.2 (MANE Select); coding-DNA position 1722, G replaced by A.
Protein change: p.Pro574=; no amino-acid change (proline 574 retained).
Molecular consequence: synonymous variant.
Genome position (GRCh38, 1-based): chrX:18,604,646, G>A. VCF-style: chrX-18604646-G-A. GRCh37 (hg19) VCF-style: chrX-18622766-G-A.
Other names: NM_001323289.2(CDKL5):c.1722G>A; p.Pro574=; c.1722G>A, p.Pro574= (NM_001037343.2, NM_003159.3).
Identifiers: ClinVar variation 210643 (VCV000210643.22), dbSNP rs371603866, ClinGen allele CA209032.

ClinVar aggregate classification (germline): Benign. Review status: reviewed by expert panel (3 of 4 stars). 4 submissions from 4 submitters: Benign (1). 3 of the submissions do not count toward it. Last evaluated 2023-02-20.

Conditions:
Inborn genetic diseases. Identifiers: MedGen C0950123, MeSH D030342.
CDKL5 disorder. Identifiers: MedGen CN296942, MONDO:0100039.
Angelman syndrome-like. Identifiers: MedGen CN128785.
Developmental and epileptic encephalopathy, 2 (DEE2). Also called: INFANTILE SPASM SYNDROME, X-LINKED 2; CDKL5 deficiency disorder. Identifiers: Orphanet 1934, Orphanet 3451, Orphanet 505652, MedGen C4750718, MONDO:0010396, OMIM 300672.

Allele frequency attached by ClinVar (database versions not stated): ExAC 0.00008; TOPMed below 0.00001; gnomAD 0.00001; gnomAD exomes 0.00003 and 0.00006.
gnomAD v4.1: 43 of 1,210,301 alleles (0.0036%); highest among the groups gnomAD compares: South Asian, 0.049%; 1 homozygote.

Submissions (4):

ClinGen Rett and Angelman-like Disorders Variant Curation Expert Panel
Classification: Benign for CDKL5 disorder. Last evaluated: 2023-02-20. Review status: reviewed by expert panel. Criteria: ClinGen RettAS ACMG Specifications V2. Collection method: curation. Allele origin: germline. Inheritance: X-linked inheritance.
Comment: The allele frequency of the p.Pro574= variant in CDKL5 in South Asian sub population in gnomAD, which is high enough to be classified as benign based on the thresholds defined by the ClinGen Rett/Angelman-like Expert Panel for Rett/AS-like conditions (BA1). The silent p.Pro574 variant is not predicted to affect splicing using multiple computational tools and does not affect a highly conserved nucleotide (BP7). In summary, the p.Pro574= variant in CDKL5 is classified as Benign based on the ACMG/AMP criteria (BA1, BP7).

Labcorp Genetics (formerly Invitae), Labcorp
Classification: Benign for Developmental and epileptic encephalopathy, 2; Angelman syndrome-like. Last evaluated: 2025-07-14. Review status: criteria provided, single submitter. Criteria: Invitae Variant Classification Sherloc (09022015). Collection method: clinical testing. Allele origin: germline. Not counted in ClinVar's aggregate classification.

Ambry Genetics
Classification: Likely benign for Inborn genetic diseases. Last evaluated: 2016-05-06. Review status: criteria provided, single submitter. Criteria: Ambry Variant Classification Scheme 2023. Collection method: clinical testing. Allele origin: germline. Not counted in ClinVar's aggregate classification.

Genetic Services Laboratory, University of Chicago
Classification: Uncertain significance. Last evaluated: 2015-02-10. Review status: criteria provided, single submitter. Criteria: ACMG Guidelines, 2015. Collection method: clinical testing. Allele origin: germline. Not counted in ClinVar's aggregate classification.